The following is an entry in ClinVar:

ClinVar aggregate classification (germline): Uncertain significance (1 of 4 stars; one submission).

Conditions:
Hereditary cancer-predisposing syndrome. Also called: Hereditary neoplastic syndrome; Hereditary Cancer Syndrome; Tumor predisposition; Neoplastic Syndromes, Hereditary. Identifiers: Orphanet 140162, MedGen C0027672, MeSH D009386, MONDO:0015356.

Submission:

Labcorp Genetics (formerly Invitae), Labcorp
Classification: Uncertain significance for Hereditary cancer-predisposing syndrome. Last evaluated: 2022-01-07. Review status: criteria provided, single submitter. Criteria: Invitae Variant Classification Sherloc (09022015). Collection method: clinical testing. Allele origin: germline.
Comment: In summary, the available evidence is currently insufficient to determine the role of this variant in disease. Therefore, it has been classified as a Variant of Uncertain Significance. Algorithms developed to predict the effect of missense changes on protein structure and function (SIFT, PolyPhen-2, Align-GVGD) all suggest that this variant is likely to be tolerated. This variant has not been reported in the literature in individuals affected with RAD50-related conditions. This variant is not present in population databases (gnomAD no frequency). This sequence change replaces glutamine, which is neutral and polar, with lysine, which is basic and polar, at codon 1130 of the RAD50 protein (p.Gln1130Lys).

NM_005732.4(RAD50):c.3388C>A (p.Gln1130Lys)

Gene: RAD50 (RAD50 double strand break repair protein; plus strand). Cytogenetic location: 5q31.1.
Variant type: single nucleotide variant.
Coding change: c.3388C>A on transcript NM_005732.4 (MANE Select); coding-DNA position 3388, C replaced by A.
Protein change: p.Gln1130Lys; replaces glutamine 1130 with lysine.
Molecular consequence: missense variant.
Genome position (GRCh38, 1-based): chr5:132,618,293, C>A. VCF-style: chr5-132618293-C-A. GRCh37 (hg19) VCF-style: chr5-131953985-C-A.
Other names: short protein forms Q1130K.
Identifiers: ClinVar variation 1518396 (VCV001518396.8), dbSNP rs2149853995, ClinGen allele CA360965076.